The following is an entry in ClinVar:

NM_000169.3(GLA):c.640-794_640-791del

Genes: GLA (galactosidase alpha; minus strand), RPL36A-HNRNPH2 (RPL36A-HNRNPH2 readthrough; plus strand). Cytogenetic location: Xq22.1.
Variant type: Deletion.
Coding change: c.640-794_640-791del on transcript NM_000169.3 (MANE Select); 794 bases into the intron before coding-DNA position 640 through 791 bases into the intron before coding-DNA position 640, 4 bases deleted (AGTT; older notation c.640-794_640-791delAGTT).
Molecular consequence: intron variant.
Genome position (GRCh38, 1-based): chrX:101,399,737-101,399,740, AACT deleted on the plus strand (AGTT on the coding strand, the reverse complement: GLA is on the minus strand). VCF-style (leftmost placement, unchanged base first): chrX-101399736-AAACT-A. GRCh37 (hg19) VCF-style: chrX-100654724-AAACT-A.
Other names: c.300+4280_300+4283del (NM_001199973.2); c.177+7915_177+7918del (NM_001199974.2); c.763-794_763-791del (NM_001406747.1); c.640-794_640-791del (NM_001406748.1).
Identifiers: ClinVar variation 4087123 (VCV004087123.2).
Genomic context (GRCh38, chrX:101,399,736, plus strand): 5'-TCAACACTTAACCATATGCGAGAGATACAGTCAAAGTCAGACAAGGTCCCTGCCCTCATG[AAACT>A]TACACTCTAGTGGGGAGACATGGTAACAAGTCAACAAATACTTCCAAATAGTGTGGAGCT-3'

ClinVar aggregate classification (germline): Likely benign (1 of 4 stars; one submission).

Conditions:
Fabry disease. Also called: ALPHA-GALACTOSIDASE A DEFICIENCY; ANDERSON-FABRY DISEASE; CERAMIDE TRIHEXOSIDASE DEFICIENCY; GLA DEFICIENCY; HEREDITARY DYSTOPIC LIPIDOSIS; Angiokeratoma corporis diffusum. Identifiers: Orphanet 324, MedGen C0002986, MONDO:0010526, OMIM 301500, HP:0001071. Disease mechanism: Fabry disease is due to inactivating mutations in the X-linked GLA gene resulting in deficiency of the enzyme Alpha Galactosidase-A., loss of function.

Submission:

Genomenon, Inc
Classification: Likely benign for Fabry disease. Last evaluated: 2026-09-08. Review status: criteria provided, single submitter. Criteria: Genomenon Sequence Variant Interpretation Standards - Updated. Collection method: curation. Allele origin: germline. Affected: no.
Comment: GLA c.640-794_640-791del is a deletion variant located in intron 4. This variant has been reported in the published literature (PMID:35578305;38002959). It is absent or not present at a significant frequency in gnomAD. This variant is not predicted to impact splicing. In conclusion, we classify GLA c.640-794_640-791del as a likely benign variant.

Literature cited by the submitters: PubMed 35578305; PubMed 38002959.